The following is an entry in ClinVar:

NM_018486.3(HDAC8):c.1111+128C>T

Gene: HDAC8 (histone deacetylase 8; minus strand). Cytogenetic location: Xq13.1.
Variant type: single nucleotide variant.
Coding change: c.1111+128C>T on transcript NM_018486.3 (MANE Select); 128 bases into the intron after coding-DNA position 1111, C replaced by T.
Molecular consequence: intron variant.
Genome position (GRCh38, 1-based): chrX:72,351,605, G>A on the plus strand (C>T on the coding strand, the complement: HDAC8 is on the minus strand). VCF-style: chrX-72351605-G-A. GRCh37 (hg19) VCF-style: chrX-71571455-G-A.
Other names: c.838+128C>T (NM_001166418.2, NM_001410728.1); c.1033+128C>T (NM_001410727.1); c.1111+128C>T (NM_001410725.1).
Identifiers: ClinVar variation 2660913 (VCV002660913.24), dbSNP rs1310591479, ClinGen allele CA2695197162.

ClinVar aggregate classification (germline): Likely benign (1 of 4 stars; one submission).

Submission:

CeGaT Center for Human Genetics Tuebingen
Classification: Likely benign. Last evaluated: 2022-06-01. Review status: criteria provided, single submitter. Criteria: CeGaT Center For Human Genetics Tuebingen Variant Classification Criteria Version 2. Collection method: clinical testing. Allele origin: germline. Affected: yes. Observed: 1 variant allele.
Comment: HDAC8: PM2:Supporting, BP4, BP7